The following is an entry in ClinVar:

NM_015915.5(ATL1):c.650G>A (p.Arg217Gln)

Gene: ATL1 (atlastin GTPase 1; plus strand). Cytogenetic location: 14q22.1.
Variant type: single nucleotide variant.
Coding change: c.650G>A on transcript NM_015915.5 (MANE Select); coding-DNA position 650, G replaced by A.
Protein change: p.Arg217Gln; replaces arginine 217 with glutamine.
Molecular consequence: missense variant.
Genome position (GRCh38, 1-based): chr14:50,613,278, G>A. VCF-style: chr14-50613278-G-A. GRCh37 (hg19) VCF-style: chr14-51079996-G-A.
Other names: c.650G>A, p.Arg217Gln (NM_001127713.1, NM_181598.4); short protein forms R217Q.
Identifiers: ClinVar variation 4349 (VCV000004349.49), dbSNP rs119476049, ClinGen allele CA253129.
Genomic context (GRCh38, chr14:50,613,278, plus strand): 5'-CCTTAAAGTCCTCATATCAATCCTTTCTTATTATTTTTTAGAGTCTGATATTTCTTGTTC[G>A]AGACTGGAGTTTCCCATACGAATTTTCATATGGAGCCGATGGTGGTGCCAAATTCTTGGA-3'
Protein context (NP_056999.2, residues 207-227): KPFQSLIFLV[Arg217Gln]DWSFPYEFSY

ClinVar aggregate classification (germline): Pathogenic/Likely pathogenic. Review status: criteria provided, multiple submitters, no conflicts (2 of 4 stars). 7 submissions from 7 submitters: Pathogenic (5); Likely pathogenic (1). 1 of the submissions does not count toward it. Last evaluated 2025-08-12.

Conditions:
ATL1-related disorder. Also called: ATL1-related condition.
Hereditary spastic paraplegia 3A (SPG3A). Also called: Spastic Paraplegia 3A; SPASTIC PARAPLEGIA 3, AUTOSOMAL DOMINANT; FAMILIAL SPASTIC PARAPLEGIA, AUTOSOMAL DOMINANT, 1; SPG3; STRUMPELL DISEASE; Spastic paraplegia 3A, autosomal dominant. Identifiers: Orphanet 100984, MedGen C2931355, MONDO:0008437, OMIM 182600.

Allele frequency attached by ClinVar (database versions not stated): gnomAD exomes below 0.00001; TOPMed below 0.00001.
gnomAD v4.1: 1 of 1,612,998 alleles (0.000062%); highest among the groups gnomAD compares: Non-Finnish European, 0.000085%; no homozygotes.

Submissions (7):

Equipe Genetique des Anomalies du Developpement, Université de Bourgogne
Classification: Pathogenic for Hereditary spastic paraplegia 3A. Last evaluated: 2025-08-12. Review status: criteria provided, single submitter. Criteria: ACMG Guidelines, 2015. Collection method: clinical testing. Allele origin: maternal. Affected: yes.
Comment: It is reported once in the heterozygous state in the gnomAD v4.1.0 database. The affected amino acid is evolutionarily conserved and located within the GBP functional domain. In silico prediction tools suggest a deleterious effect. Monoallelic pathogenic variants in ATL1 (including missense, nonsense, and splicing variants) are associated with two autosomal dominant disorders: spastic paraplegia type 3A (MIM #182600) and hereditary sensory neuropathy type 1D (MIM #613708). The identified variant is reported in ClinVar as pathogenic and likely pathogenic in association with spastic paraplegia. It has also been described in individuals with this phenotype in the literature (PMID: 12112092, 28396731). This paraplegia is characterized by progressive bilateral spasticity and muscle weakness primarily affecting the lower limbs, leading to gait difficulties. The penetrance of the disease is high (80–90%). Onset typically occurs in early childhood, although late-onset forms have been reported (PMID: 20862796). The clinical features observed are compatible with spastic paraplegia associated with ATL1. According to current evidence, this variant is classified as pathogenic (Class 5, ACMG criteria).

GeneDx
Classification: Likely pathogenic. Last evaluated: 2024-07-14. Review status: criteria provided, single submitter. Criteria: GeneDx Variant Classification Process June 2021. Collection method: clinical testing. Allele origin: germline. Affected: yes.
Comment: Previously reported in affected individuals from a large Italian family with uncomplicated HSP; however details of the pedigree were not provided (PMID: 12112092); Previously reported in an individual with childhood onset uncomplicated HSP (PMID: 29934652); Published functional studies suggested that the R217Q results in reduced GTPase activity and impaired dimerization in vitro (PMID: 16537571, 28240257); Not observed at significant frequency in large population cohorts (gnomAD); In silico analysis supports that this missense variant has a deleterious effect on protein structure/function; Within G domain (PMID: 23334294); This variant is associated with the following publications: (PMID: 27619977, 18270207, 17427918, 19459885, 25761634, 23999326, 28240257, 19665976, 30143524, 29180453, 21220294, 28396731, 31236401, 23334294, 12112092, 29934652, 34983064, 16537571, 38473862, 34817557)

Blueprint Genetics
Classification: Pathogenic for ATL1-related disorders. Last evaluated: 2023-05-08. Review status: criteria provided, single submitter. Criteria: ACMG Guidelines, 2015. Collection method: clinical testing. Allele origin: germline. Affected: yes. Observed: 1 variant allele.

Labcorp Genetics (formerly Invitae), Labcorp
Classification: Pathogenic for Hereditary spastic paraplegia 3A. Last evaluated: 2022-05-08. Review status: criteria provided, single submitter. Criteria: Invitae Variant Classification Sherloc (09022015). Collection method: clinical testing. Allele origin: germline.
Comment: For these reasons, this variant has been classified as Pathogenic. Experimental studies have shown that this missense change affects ATL1 function (PMID: 16537571, 21368113, 23999326, 25761634). Advanced modeling of protein sequence and biophysical properties (such as structural, functional, and spatial information, amino acid conservation, physicochemical variation, residue mobility, and thermodynamic stability) performed at Invitae indicates that this missense variant is expected to disrupt ATL1 protein function. ClinVar contains an entry for this variant (Variation ID: 4349). This missense change has been observed in individuals with spastic paraplegia (PMID: 12112092). It has also been observed to segregate with disease in related individuals. This variant is not present in population databases (gnomAD no frequency). This sequence change replaces arginine, which is basic and polar, with glutamine, which is neutral and polar, at codon 217 of the ATL1 protein (p.Arg217Gln).

CeGaT Center for Human Genetics Tuebingen
Classification: Pathogenic. Last evaluated: 2021-10-01. Review status: criteria provided, single submitter. Criteria: CeGaT Center For Human Genetics Tuebingen Variant Classification Criteria Version 2. Collection method: clinical testing. Allele origin: germline. Affected: yes. Observed: 1 variant allele.

Paris Brain Institute, Inserm - ICM
Classification: Pathogenic for Hereditary spastic paraplegia 3A. Review status: criteria provided, single submitter. Criteria: ACMG Guidelines, 2015. Collection method: clinical testing. Allele origin: unknown. Affected: yes. Observed: 1 variant allele.

OMIM
Classification: Pathogenic for SPASTIC PARAPLEGIA 3, AUTOSOMAL DOMINANT. Last evaluated: 2002-06-01. Review status: no assertion criteria provided. Collection method: literature only. Allele origin: germline. Not counted in ClinVar's aggregate classification.

Literature cited by the submitters: PubMed 12112092 (cited by 3 submitters); PubMed 28396731 (cited by Equipe Genetique des Anomalies du Developpement, Université de Bourgogne); PubMed 16537571 (cited by Labcorp Genetics (formerly Invitae), Labcorp); PubMed 21368113 (cited by Labcorp Genetics (formerly Invitae), Labcorp); PubMed 23999326 (cited by Labcorp Genetics (formerly Invitae), Labcorp); PubMed 25761634 (cited by Labcorp Genetics (formerly Invitae), Labcorp).